The following is an entry in ClinVar:

NM_001267550.2(TTN):c.46245del (p.Arg15416fs)

Gene: TTN (titin; minus strand). Cytogenetic location: 2q31.2.
Variant type: Deletion.
Coding change: c.46245del on transcript NM_001267550.2 (MANE Select); coding-DNA position 46245, one base deleted (C; older notation c.46245delC).
Protein change: p.Arg15416fs; shifts the reading frame from arginine 15416.
Molecular consequence: frameshift variant.
Genome position (GRCh38, 1-based): chr2:178,620,276, G deleted on the plus strand (C on the coding strand, the reverse complement: TTN is on the minus strand); the first of 2 consecutive G bases (chr2:178,620,276-178,620,277); deleting either gives the same sequence. VCF-style (leftmost placement, unchanged base first): chr2-178620275-TG-T. GRCh37 (hg19) VCF-style: chr2-179485002-TG-T.
Other names: c.41322del, p.Arg13775fs (NM_001256850.1); c.19050del, p.Arg6351fs (NM_003319.4); c.38541del, p.Arg12848fs (NM_133378.4); c.19425del, p.Arg6476fs (NM_133432.3); c.19626del, p.Arg6543fs (NM_133437.4); short protein forms R12848fs, R13775fs, R15416fs, R6351fs, R6476fs, R6543fs.
Identifiers: ClinVar variation 3760295 (VCV003760295.2).

ClinVar aggregate classification (germline): Likely pathogenic (1 of 4 stars; one submission).

Conditions:
Dilated cardiomyopathy 1G (CMD1G). Identifiers: Orphanet 154, MedGen C1858763, MONDO:0011400, OMIM 604145.
Autosomal recessive limb-girdle muscular dystrophy type 2J (LGMDR10). Also called: Limb-girdle muscular dystrophy, type 2J; MUSCULAR DYSTROPHY, LIMB-GIRDLE, AUTOSOMAL RECESSIVE 10. Identifiers: Orphanet 140922, MedGen C1837342, MONDO:0012127, OMIM 608807.

Submission:

Labcorp Genetics (formerly Invitae), Labcorp
Classification: Likely pathogenic for Dilated cardiomyopathy 1G; Autosomal recessive limb-girdle muscular dystrophy type 2J. Last evaluated: 2025-01-12. Review status: criteria provided, single submitter. Criteria: Invitae Variant Classification Sherloc (09022015). Collection method: clinical testing. Allele origin: germline.
Comment: This sequence change creates a premature translational stop signal (p.Arg15416Glufs*6) in the TTN gene. While this is not anticipated to result in nonsense mediated decay, it is expected to create a truncated TTN protein. This variant is not present in population databases (gnomAD no frequency). This variant has not been reported in the literature in individuals affected with TTN-related conditions. This variant is located in the I band of TTN (PMID: 25589632). Truncating variants in this region have been reported in individuals affected with autosomal recessive centronuclear myopathy (PMID: 23975875, internal data). Truncating variants in this region have also been identified in individuals affected with autosomal dominant dilated cardiomyopathy and/or cardio-related conditions (PMID: 27869827, 32964742, internal data). In summary, the currently available evidence indicates that the variant is pathogenic, but additional data are needed to prove that conclusively. Therefore, this variant has been classified as Likely Pathogenic.

Literature cited by the submitters: PubMed 25589632; PubMed 23975875; PubMed 27869827; PubMed 32964742.